The following is an entry in ClinVar:

NM_000043.6(FAS):c.187T>C (p.Cys63Arg)

Gene: FAS (Fas cell surface death receptor; plus strand). Cytogenetic location: 10q23.31.
Variant type: single nucleotide variant.
Coding change: c.187T>C on transcript NM_000043.6 (MANE Select); coding-DNA position 187, T replaced by C.
Protein change: p.Cys63Arg; replaces cysteine 63 with arginine.
Molecular consequence: missense variant. On other transcripts: non-coding transcript variant (7).
Genome position (GRCh38, 1-based): chr10:89,003,185, T>C. VCF-style: chr10-89003185-T-C. GRCh37 (hg19) VCF-style: chr10-90762942-T-C.
Other names: c.187T>C, p.Cys63Arg (NM_001320619.2, NM_152871.4, NM_152872.4); c.232T>C, p.Cys78Arg (NM_001410956.1); short protein forms C78R, C63R.
Identifiers: ClinVar variation 2811621 (VCV002811621.3), dbSNP rs2495024392, ClinGen allele CA377507772.

ClinVar aggregate classification (germline): Uncertain significance (1 of 4 stars; one submission).

Conditions:
Autoimmune lymphoproliferative syndrome type 1. Also called: AUTOIMMUNE LYMPHOPROLIFERATIVE SYNDROME, TYPE I, AUTOSOMAL DOMINANT. Identifiers: Orphanet 3261, MedGen C2717884, MONDO:0011158, OMIM 601859.

Submission:

Labcorp Genetics (formerly Invitae), Labcorp
Classification: Uncertain significance for Autoimmune lymphoproliferative syndrome. Last evaluated: 2022-11-02. Review status: criteria provided, single submitter. Criteria: Invitae Variant Classification Sherloc (09022015). Collection method: clinical testing. Allele origin: germline.
Comment: This sequence change replaces cysteine, which is neutral and slightly polar, with arginine, which is basic and polar, at codon 63 of the FAS protein (p.Cys63Arg). This variant is not present in population databases (gnomAD no frequency). This variant has not been reported in the literature in individuals affected with FAS-related conditions. Advanced modeling of protein sequence and biophysical properties (such as structural, functional, and spatial information, amino acid conservation, physicochemical variation, residue mobility, and thermodynamic stability) performed at Invitae indicates that this missense variant is expected to disrupt FAS protein function. In summary, the available evidence is currently insufficient to determine the role of this variant in disease. Therefore, it has been classified as a Variant of Uncertain Significance.